The following is an entry in ClinVar:

ClinVar aggregate classification (germline): Likely benign. Review status: criteria provided, multiple submitters, no conflicts (2 of 4 stars). 2 submissions from 2 submitters: Likely benign (2). Last evaluated 2025-01-08.

Conditions:
Lynch syndrome 5 (LYNCH5). Also called: Colorectal cancer, hereditary nonpolyposis, type 5; Hereditary non-polyposis colorectal cancer, type 5. Identifiers: Orphanet 144, MedGen C1833477, MONDO:0013710, OMIM 614350. Disease mechanism: loss of function.
Hereditary nonpolyposis colorectal neoplasms. Identifiers: MedGen C0009405, MeSH D003123.

Submissions (2):

Myriad Genetics, Inc.
Classification: Likely benign for Lynch syndrome 5. Last evaluated: 2025-01-08. Review status: criteria provided, single submitter. Criteria: Myriad Autosomal Dominant, Autosomal Recessive and X-Linked Classification Criteria (2023). Collection method: clinical testing. Allele origin: unknown.
Comment: This variant is considered likely benign. This variant is intronic and is not expected to impact mRNA splicing.

Labcorp Genetics (formerly Invitae), Labcorp
Classification: Likely benign for Hereditary nonpolyposis colorectal neoplasms. Last evaluated: 2024-09-26. Review status: criteria provided, single submitter. Criteria: Invitae Variant Classification Sherloc (09022015). Collection method: clinical testing. Allele origin: germline.

NM_000179.3(MSH6):c.3802-17T>C

Gene: MSH6 (mutS homolog 6; plus strand). Cytogenetic location: 2p16.3.
Variant type: single nucleotide variant.
Coding change: c.3802-17T>C on transcript NM_000179.3 (MANE Select); 17 bases into the intron before coding-DNA position 3802, T replaced by C.
Molecular consequence: intron variant.
Genome position (GRCh38, 1-based): chr2:47,806,435, T>C. VCF-style: chr2-47806435-T-C. GRCh37 (hg19) VCF-style: chr2-48033574-T-C.
Other names: c.3802-17T>C (NM_001406809.1, NM_001406796.1, NM_001406808.1); c.2896-17T>C (NM_001406811.1, NM_001406814.1, NM_001281493.2 and 6 more transcripts); c.3505-17T>C (NM_001406805.1, NM_001406797.1, NM_001406801.1 and 10 more transcripts); c.3898-17T>C (NM_001406795.1); c.3897+77T>C (NM_001406802.1); c.3808-17T>C (NM_001406813.1); c.3277-17T>C (NM_001406807.1, NM_001406799.1, NM_001406806.1); c.3802-30T>C (NM_001406800.1); and 9 more.
Identifiers: ClinVar variation 3015031 (VCV003015031.4), dbSNP rs2104550208, ClinGen allele CA2740092853.